The following is an entry in ClinVar:

NM_002439.5(MSH3):c.1454-1G>C

Gene: MSH3 (mutS homolog 3; plus strand). Cytogenetic location: 5q14.1.
Variant type: single nucleotide variant.
Coding change: c.1454-1G>C on transcript NM_002439.5 (MANE Select); the canonical splice acceptor site of the intron before coding-DNA position 1454, G replaced by C.
Molecular consequence: splice acceptor variant.
Genome position (GRCh38, 1-based): chr5:80,728,850, G>C. VCF-style: chr5-80728850-G-C. GRCh37 (hg19) VCF-style: chr5-80024669-G-C.
Identifiers: ClinVar variation 1514364 (VCV001514364.10), dbSNP rs2112857805, ClinGen allele CA360274138.

ClinVar aggregate classification (germline): Conflicting classifications of pathogenicity. Review status: criteria provided, conflicting classifications (1 of 4 stars). 2 submissions from 2 submitters: Likely pathogenic (1); Uncertain significance (1). Last evaluated 2024-01-07.

Conditions:
Hereditary cancer-predisposing syndrome. Also called: Tumor predisposition; Neoplastic Syndromes, Hereditary; Hereditary neoplastic syndrome; Hereditary Cancer Syndrome. Identifiers: Orphanet 140162, MedGen C0027672, MeSH D009386, MONDO:0015356.

Submissions (2):

Labcorp Genetics (formerly Invitae), Labcorp
Classification: Likely pathogenic. Last evaluated: 2024-01-07. Review status: criteria provided, single submitter. Criteria: Invitae Variant Classification Sherloc (09022015). Collection method: clinical testing. Allele origin: germline.
Comment: This sequence change affects an acceptor splice site in intron 9 of the MSH3 gene. It is expected to disrupt RNA splicing. Variants that disrupt the donor or acceptor splice site typically lead to a loss of protein function (PMID: 16199547), and loss-of-function variants in MSH3 are known to be pathogenic (PMID: 27476653, 37402566). This variant is not present in population databases (gnomAD no frequency). This variant has not been reported in the literature in individuals affected with MSH3-related conditions. ClinVar contains an entry for this variant (Variation ID: 1514364). Algorithms developed to predict the effect of sequence changes on RNA splicing suggest that this variant may disrupt the consensus splice site. In summary, the currently available evidence indicates that the variant is pathogenic, but additional data are needed to prove that conclusively. Therefore, this variant has been classified as Likely Pathogenic.

Ambry Genetics
Classification: Uncertain significance for Hereditary cancer-predisposing syndrome. Last evaluated: 2020-11-19. Review status: criteria provided, single submitter. Criteria: Ambry Variant Classification Scheme 2023. Collection method: clinical testing. Allele origin: germline.
Comment: The c.1454-1G>C intronic variant results from a G to C substitution one nucleotide upstream from coding exon 10 of the MSH3 gene. This nucleotide position is highly conserved in available vertebrate species. In silico splice site analysis predicts that this alteration will weaken the native splice acceptor site and will result in the creation or strengthening of a novel splice acceptor site; however, direct evidence is insufficient at this time (Ambry internal data). The resulting transcript is predicted to be in-frame and is not expected to trigger nonsense-mediated mRNA decay; however, direct evidence is unavailable. The exact functional effect of the missing amino acids is unknown. Since supporting evidence is limited at this time, the clinical significance of this alteration remains unclear.

Literature cited by the submitters: PubMed 16199547 (cited by Labcorp Genetics (formerly Invitae), Labcorp); PubMed 27476653 (cited by Labcorp Genetics (formerly Invitae), Labcorp); PubMed 37402566 (cited by Labcorp Genetics (formerly Invitae), Labcorp).